The following is an entry in ClinVar:

ClinVar aggregate classification (germline): Conflicting classifications of pathogenicity. Review status: criteria provided, conflicting classifications (1 of 4 stars). 5 submissions from 5 submitters: Uncertain significance (3); Benign (2). Last evaluated 2025-12-15.

Conditions:
Singleton-Merten syndrome 1 (SGMRT1). Also called: Widened medullary cavities of bone, aortic calcification, abnormal dentition, and muscular weakness; Syndrome of widened medullary cavities of the metacarpals and phalanges, aortic calcification and abnormal dentition. Identifiers: Orphanet 85191, MedGen C4225427, MONDO:0024535, OMIM 182250.
Immunodeficiency 95 (IMD95). Identifiers: MedGen C5676929, MONDO:0030692, OMIM 619773.
Aicardi-Goutieres syndrome 7 (AGS7). Identifiers: Orphanet 51, MedGen C3888244, MONDO:0014367, OMIM 615846.

Allele frequency attached by ClinVar (database versions not stated): gnomAD exomes 0.00002 and 0.00003; gnomAD 0.00003; ExAC 0.00006; TOPMed 0.00006; ESP Exome Variant Server 0.00015.
gnomAD v4.1: 37 of 1,613,844 alleles (0.0023%); highest among the groups gnomAD compares: African/African-American, 0.008%; 1 homozygote.

Submissions (5):

Labcorp Genetics (formerly Invitae), Labcorp
Classification: Benign for Aicardi-Goutieres syndrome 7; Singleton-Merten syndrome 1. Last evaluated: 2025-12-15. Review status: criteria provided, single submitter. Criteria: Invitae Variant Classification Sherloc (09022015). Collection method: clinical testing. Allele origin: germline.

Women's Health and Genetics/Laboratory Corporation of America, LabCorp
Classification: Benign. Last evaluated: 2025-03-17. Review status: criteria provided, single submitter. Criteria: LabCorp Variant Classification Summary - May 2015. Collection method: clinical testing. Allele origin: germline.
Comment: Variant summary: IFIH1 c.2182C>T (p.Arg728X) results in a premature termination codon, predicted to cause a truncation of the encoded protein or absence of the protein due to nonsense mediated decay, however current evidence is not sufficient to establish loss of function as a mechanism for disease. The variant allele was found at a frequency of 2.3e-05 in 1613844 control chromosomes in the gnomAD database, including 1 homozygotes. The observed variant frequency is approximately 23 fold of the estimated maximal expected allele frequency for a pathogenic variant in IFIH1 causing Singleton-Merten syndrome 1 phenotype (1e-06). To our knowledge, no occurrence of c.2182C>T in individuals affected with Singleton-Merten syndrome 1 and no experimental evidence demonstrating its impact on protein function have been reported. ClinVar contains an entry for this variant (Variation ID: 1034429). Based on the evidence outlined above, the variant was classified as benign.

Blueprint Genetics
Classification: Uncertain significance. Last evaluated: 2024-10-18. Review status: criteria provided, single submitter. Criteria: ACMG Guidelines, 2015. Collection method: clinical testing. Allele origin: germline.

Fulgent Genetics
Classification: Uncertain significance for Singleton-Merten syndrome 1; Aicardi-Goutieres syndrome 7; Immunodeficiency 95. Last evaluated: 2022-01-26. Review status: criteria provided, single submitter. Criteria: ACMG Guidelines, 2015. Collection method: clinical testing. Allele origin: unknown.

Centre of Medical Genetics, University Hospital Muenster
Classification: Uncertain significance. Last evaluated: 2021-12-15. Review status: criteria provided, single submitter. Criteria: ACMG Guidelines, 2015. Collection method: clinical testing. Allele origin: unknown. Affected: yes. Observed: 1 variant allele, 1 heterozygote.
Comment: ACMG categories: PM2,PP3

NM_022168.4(IFIH1):c.2182C>T (p.Arg728Ter)

Gene: IFIH1 (interferon induced with helicase C domain 1; minus strand). Cytogenetic location: 2q24.2.
Variant type: single nucleotide variant.
Coding change: c.2182C>T on transcript NM_022168.4 (MANE Select); coding-DNA position 2182, C replaced by T.
Protein change: p.Arg728Ter; replaces arginine 728 with a stop codon.
Molecular consequence: nonsense.
Genome position (GRCh38, 1-based): chr2:162,276,809, G>A on the plus strand (C>T on the coding strand, the complement: IFIH1 is on the minus strand). VCF-style: chr2-162276809-G-A. GRCh37 (hg19) VCF-style: chr2-163133319-G-A.
Other names: short protein forms R728*.
Identifiers: ClinVar variation 1034429 (VCV001034429.11), dbSNP rs201193151, ClinGen allele CA1934275.